The following is an entry in ClinVar:

ClinVar aggregate classification (germline): Uncertain significance (1 of 4 stars; one submission).

Submission:

Labcorp Genetics (formerly Invitae), Labcorp
Classification: Uncertain significance. Last evaluated: 2025-03-31. Review status: criteria provided, single submitter. Criteria: Invitae Variant Classification Sherloc (09022015). Collection method: clinical testing. Allele origin: germline.
Comment: This sequence change replaces phenylalanine, which is neutral and non-polar, with valine, which is neutral and non-polar, at codon 118 of the MCPH1 protein (p.Phe118Val). This variant is not present in population databases (gnomAD no frequency). This variant has not been reported in the literature in individuals affected with MCPH1-related conditions. ClinVar contains an entry for this variant (Variation ID: 1393755). An algorithm developed to predict the effect of missense changes on protein structure and function (PolyPhen-2) suggests that this variant is likely to be disruptive. In summary, the available evidence is currently insufficient to determine the role of this variant in disease. Therefore, it has been classified as a Variant of Uncertain Significance.

NM_024596.5(MCPH1):c.352T>G (p.Phe118Val)

Gene: MCPH1 (microcephalin 1; plus strand). Cytogenetic location: 8p23.1.
Variant type: single nucleotide variant.
Coding change: c.352T>G on transcript NM_024596.5 (MANE Select); coding-DNA position 352, T replaced by G.
Protein change: p.Phe118Val; replaces phenylalanine 118 with valine.
Molecular consequence: missense variant.
Genome position (GRCh38, 1-based): chr8:6,436,078, T>G. VCF-style: chr8-6436078-T-G. GRCh37 (hg19) VCF-style: chr8-6293599-T-G.
Other names: c.352T>G, p.Phe118Val (NM_001172574.2, NM_001172575.2, NM_001322042.2 and 2 more transcripts); c.346T>G, p.Phe116Val (NM_001322043.2); c.250T>G, p.Phe84Val (NM_001322045.2); short protein forms F118V, F116V, F84V.
Identifiers: ClinVar variation 1393755 (VCV001393755.6), dbSNP rs2129554586, ClinGen allele CA370217523.